The following is an entry in ClinVar:

ClinVar aggregate classification (germline): Uncertain significance (1 of 4 stars; one submission).

Submission:

Labcorp Genetics (formerly Invitae), Labcorp
Classification: Uncertain significance. Last evaluated: 2022-09-24. Review status: criteria provided, single submitter. Criteria: Invitae Variant Classification Sherloc (09022015). Collection method: clinical testing. Allele origin: germline.
Comment: In summary, the available evidence is currently insufficient to determine the role of this variant in disease. Therefore, it has been classified as a Variant of Uncertain Significance. Advanced modeling of protein sequence and biophysical properties (such as structural, functional, and spatial information, amino acid conservation, physicochemical variation, residue mobility, and thermodynamic stability) has been performed at Invitae for this missense variant, however the output from this modeling did not meet the statistical confidence thresholds required to predict the impact of this variant on CTNNA1 protein function. This variant has not been reported in the literature in individuals affected with CTNNA1-related conditions. This variant is not present in population databases (gnomAD no frequency). This sequence change replaces leucine, which is neutral and non-polar, with phenylalanine, which is neutral and non-polar, at codon 436 of the CTNNA1 protein (p.Leu436Phe).

NM_001903.5(CTNNA1):c.1308G>T (p.Leu436Phe)

Gene: CTNNA1 (catenin alpha 1; plus strand). Cytogenetic location: 5q31.2.
Variant type: single nucleotide variant.
Coding change: c.1308G>T on transcript NM_001903.5 (MANE Select); coding-DNA position 1308, G replaced by T.
Protein change: p.Leu436Phe; replaces leucine 436 with phenylalanine.
Molecular consequence: missense variant. On other transcripts: 5 prime UTR variant (6), intron variant (3).
Genome position (GRCh38, 1-based): chr5:138,904,360, G>T. VCF-style: chr5-138904360-G-T. GRCh37 (hg19) VCF-style: chr5-138240049-G-T.
Other names: c.1308G>T, p.Leu436Phe (NM_001290307.3, NM_001323982.2, NM_001323983.1 and 2 more transcripts); c.999G>T, p.Leu333Phe (NM_001290309.3); c.939G>T, p.Leu313Phe (NM_001290310.3); c.198G>T, p.Leu66Phe (NM_001290312.1, NM_001323987.1, NM_001323988.1 and 17 more transcripts); c.-200G>T (NM_001324006.1, NM_001324007.1, NM_001324008.1 and 1 more transcripts); c.-46G>T (NM_001324012.1, NM_001324013.1); c.1297-13382G>T (NM_001323986.2); c.187-13382G>T (NM_001324011.1); and 1 more; short protein forms L313F, L333F, L436F, L66F.
Identifiers: ClinVar variation 1720295 (VCV001720295.5), dbSNP rs2533352041, ClinGen allele CA361135884.
Genomic context (GRCh38, chr5:138,904,360, plus strand): 5'-TAGCAGTCAAAAGAGAAAAATCTTTAAAGATTATTTTTTATGTTTATAGGTTGCCAACTT[G>T]GCCTGTTCCATCTCAAATAATGAAGAAGGTGTAAAGCTTGTTCGAATGTCTGCAAGCCAG-3'
Protein context (NP_001894.2, residues 426-446): HANKLIEVAN[Leu436Phe]ACSISNNEEG